The following is an entry in ClinVar:

ClinVar aggregate classification (germline): Uncertain significance (1 of 4 stars; one submission).

Allele frequency attached by ClinVar (database versions not stated): gnomAD exomes below 0.00001; ExAC 0.00001.
gnomAD v4.1: 2 of 1,613,210 alleles (0.00012%); highest among the groups gnomAD compares: South Asian, 0.0022%; no homozygotes.

Submission:

Labcorp Genetics (formerly Invitae), Labcorp
Classification: Uncertain significance. Last evaluated: 2024-05-09. Review status: criteria provided, single submitter. Criteria: Invitae Variant Classification Sherloc (09022015). Collection method: clinical testing. Allele origin: germline.
Comment: This sequence change replaces glutamic acid, which is acidic and polar, with lysine, which is basic and polar, at codon 318 of the POLE protein (p.Glu318Lys). This variant is present in population databases (rs775365628, gnomAD 0.003%). This variant has not been reported in the literature in individuals affected with POLE-related conditions. ClinVar contains an entry for this variant (Variation ID: 1518485). Advanced modeling of protein sequence and biophysical properties (such as structural, functional, and spatial information, amino acid conservation, physicochemical variation, residue mobility, and thermodynamic stability) performed at Invitae indicates that this missense variant is not expected to disrupt POLE protein function with a negative predictive value of 80%. In summary, the available evidence is currently insufficient to determine the role of this variant in disease. Therefore, it has been classified as a Variant of Uncertain Significance.

NM_006231.4(POLE):c.952G>A (p.Glu318Lys)

Gene: POLE (DNA polymerase epsilon, catalytic subunit; minus strand). Cytogenetic location: 12q24.33.
Variant type: single nucleotide variant.
Coding change: c.952G>A on transcript NM_006231.4 (MANE Select); coding-DNA position 952, G replaced by A.
Protein change: p.Glu318Lys; replaces glutamic acid 318 with lysine.
Molecular consequence: missense variant.
Genome position (GRCh38, 1-based): chr12:132,676,162, C>T on the plus strand (G>A on the coding strand, the complement: POLE is on the minus strand). VCF-style: chr12-132676162-C-T. GRCh37 (hg19) VCF-style: chr12-133252748-C-T.
Other names: short protein forms E318K.
Identifiers: ClinVar variation 1518485 (VCV001518485.8), dbSNP rs775365628, ClinGen allele CA6894133.